The following is an entry in ClinVar:

NM_001399.5(EDA):c.871G>T (p.Gly291Trp)

Gene: EDA (ectodysplasin A; plus strand). Cytogenetic location: Xq13.1.
Variant type: single nucleotide variant.
Coding change: c.871G>T on transcript NM_001399.5 (MANE Select); coding-DNA position 871, G replaced by T.
Protein change: p.Gly291Trp; replaces glycine 291 with tryptophan.
Molecular consequence: missense variant.
Genome position (GRCh38, 1-based): chrX:70,033,475, G>T. VCF-style: chrX-70033475-G-T. GRCh37 (hg19) VCF-style: chrX-69253325-G-T.
Other names: c.871G>T, p.Gly291Trp (NM_001005609.2); c.862G>T, p.Gly288Trp (NM_001005612.3); short protein forms G288W, G291W.
Identifiers: ClinVar variation 4071556 (VCV004071556.1).
Genomic context (GRCh38, chrX:70,033,475, plus strand): 5'-CTCAATGACTGGTCTCGCATCACTATGAACCCCAAGGTGTTTAAGCTACATCCCCGCAGC[G>T]GGGAGCTGGAGGTACTGGTGGACGGCACCTACTTCATCTATAGTCAGGTAGAAGTGAGTA-3'
Protein context (NP_001390.1, residues 281-301): PKVFKLHPRS[Gly291Trp]ELEVLVDGTY

ClinVar aggregate classification (germline): Likely pathogenic (1 of 4 stars; one submission).

Submission:

GeneDx
Classification: Likely pathogenic. Last evaluated: 2025-01-26. Review status: criteria provided, single submitter. Criteria: GeneDx Variant Classification Process June 2021. Collection method: clinical testing. Allele origin: germline. Affected: yes.
Comment: Not observed at significant frequency in large population cohorts (gnomAD); In silico analysis supports that this missense variant has a deleterious effect on protein structure/function; Missense variants in this gene are a common cause of disease and they are underrepresented in the general population; This variant is associated with the following publications: (PMID: 11279189, 9736768)